The following is an entry in ClinVar:

NM_198253.3(TERT):c.2912G>A (p.Arg971His)

Gene: TERT (telomerase reverse transcriptase; minus strand). Cytogenetic location: 5p15.33.
Variant type: single nucleotide variant.
Coding change: c.2912G>A on transcript NM_198253.3 (MANE Select); coding-DNA position 2912, G replaced by A.
Protein change: p.Arg971His; replaces arginine 971 with histidine.
Molecular consequence: missense variant. On other transcripts: non-coding transcript variant (2).
Genome position (GRCh38, 1-based): chr5:1,260,532, C>T on the plus strand (G>A on the coding strand, the complement: TERT is on the minus strand). VCF-style: chr5-1260532-C-T. GRCh37 (hg19) VCF-style: chr5-1260647-C-T.
Other names: p.Arg971His; c.2912G>A (NM_198253.2); c.2723G>A, p.Arg908His (NM_001193376.3); short protein forms R908H, R971H.
Identifiers: ClinVar variation 1013653 (VCV001013653.44), dbSNP rs1748153358, ClinGen allele CA359069981.
Genomic context (GRCh38, chr5:1,260,532, plus strand): 5'-ACCTGCAAATCCAGAAACAGGCTGTGACACTTCAGCCGCAAGACCCCAAAGAGTTTGCGA[C>T]GCATGTTCCTCCCAGCCTTGAAGCCGCGGTTGAAGGTGAGACTGGCTCTGATGGAGGTCC-3'
Protein context (NP_937983.2, residues 961-981): NRGFKAGRNM[Arg971His]RKLFGVLRLK

ClinVar aggregate classification (germline): Conflicting classifications of pathogenicity. Review status: criteria provided, conflicting classifications (1 of 4 stars). 5 submissions from 4 submitters: Likely pathogenic (3); Uncertain significance (1). 1 of the submissions does not count toward it. Last evaluated 2023-12-04.

Conditions:
Idiopathic Pulmonary Fibrosis. Also called: Idiopathic fibrosing alveolitis, chronic form; idiopathic fibrosing alveolitis. Identifiers: Orphanet 2032, MedGen C1800706, MeSH D054990, MONDO:0800504.
Dyskeratosis congenita, autosomal dominant 2. Identifiers: MedGen C3151443, MONDO:0013521, OMIM 613989.
TERT-related disorder. Also called: TERT-related disorders; TERT-related condition.
Pulmonary fibrosis. Identifiers: MedGen C0034069, MONDO:0002771, HP:0002206.
Pulmonary fibrosis and/or bone marrow failure, Telomere-related, 1. Also called: PULMONARY FIBROSIS AND/OR BONE MARROW FAILURE SYNDROME, TELOMERE-RELATED, 1. Identifiers: Orphanet 88, MedGen C3553617, MONDO:0013878, OMIM 614742.

Allele frequency attached by ClinVar (database versions not stated): TOPMed below 0.00001.
gnomAD v4.1: 1 of 1,614,202 alleles (0.000062%); highest among the groups gnomAD compares: African/African-American, 0.0013%; no homozygotes.

Submissions (5):

Labcorp Genetics (formerly Invitae), Labcorp
Classification: Uncertain significance for Dyskeratosis congenita, autosomal dominant 2; Idiopathic Pulmonary Fibrosis. Last evaluated: 2023-12-04. Review status: criteria provided, single submitter. Criteria: Invitae Variant Classification Sherloc (09022015). Collection method: clinical testing. Allele origin: germline.
Comment: This sequence change replaces arginine, which is basic and polar, with histidine, which is basic and polar, at codon 971 of the TERT protein (p.Arg971His). This variant is not present in population databases (gnomAD no frequency). This missense change has been observed in individual(s) with clinical features of dyskeratosis congenita (PMID: 22664374). ClinVar contains an entry for this variant (Variation ID: 1013653). Advanced modeling of protein sequence and biophysical properties (such as structural, functional, and spatial information, amino acid conservation, physicochemical variation, residue mobility, and thermodynamic stability) performed at Invitae indicates that this missense variant is expected to disrupt TERT protein function with a positive predictive value of 95%. In summary, the available evidence is currently insufficient to determine the role of this variant in disease. Therefore, it has been classified as a Variant of Uncertain Significance.

Blueprint Genetics
Classification: Likely pathogenic for TERT-related disorders. Last evaluated: 2023-07-13. Review status: criteria provided, single submitter. Criteria: ACMG Guidelines, 2015. Collection method: clinical testing. Allele origin: germline. Affected: yes. Observed: 1 variant allele.

Garcia Pulmonary Genetics Research Laboratory, Columbia University Irving Medical Center
Classification: Likely pathogenic for Pulmonary fibrosis and/or bone marrow failure, Telomere-related, 1. Last evaluated: 2022-05-19. Review status: criteria provided, single submitter. Criteria: ACMG Guidelines, 2015. Collection method: research. Allele origin: germline. Affected: yes. Observed: 1 variant allele.

Genetics and Molecular Pathology, SA Pathology
Classification: Likely pathogenic for Dyskeratosis congenita, autosomal dominant 2. Last evaluated: 2021-07-16. Review status: criteria provided, single submitter. Criteria: ACMG Guidelines, 2015. Collection method: clinical testing. Allele origin: germline. Affected: yes.

Garcia Pulmonary Genetics Research Laboratory, Columbia University Irving Medical Center
Classification: Likely risk allele for Pulmonary fibrosis. Last evaluated: 2022-06-09. Review status: no assertion criteria provided. Collection method: research. Allele origin: germline. Affected: yes. Not counted in ClinVar's aggregate classification.
Comment: Leukocyte telomere length (by qPCR) less than 10th percentile age-adjusted

Literature cited by the submitters: PubMed 22664374 (cited by Labcorp Genetics (formerly Invitae), Labcorp).